The following is an entry in ClinVar:

NM_015443.4(KANSL1):c.3287C>G (p.Ala1096Gly)

Gene: KANSL1 (KAT8 regulatory NSL complex subunit 1). Cytogenetic location: 17q21.31.
Variant type: single nucleotide variant.
Coding change: c.3287C>G on transcript NM_015443.4 (MANE Select); coding-DNA position 3287, C replaced by G.
Protein change: p.Ala1096Gly; replaces alanine 1096 with glycine.
Molecular consequence: missense variant.
Genome position (GRCh38, 1-based): chr17:46,031,507, G>C on the plus strand (C>G on the coding strand, the complement: KANSL1 is on the minus strand). VCF-style: chr17-46031507-G-C. GRCh37 (hg19) VCF-style: chr17-44108873-G-C.
Other names: c.3287C>G (NM_001193466.1); c.3284C>G, p.Ala1095Gly (NM_001193465.2, NM_001405856.1, NM_001405857.1 and 1 more transcripts); c.3287C>G, p.Ala1096Gly (NM_001193466.2, NM_001379198.1, NM_001405854.1 and 1 more transcripts); c.3185C>G, p.Ala1062Gly (NM_001405859.1, NM_001405860.1); c.3182C>G, p.Ala1061Gly (NM_001405861.1); c.3155C>G, p.Ala1052Gly (NM_001405872.1, NM_001405873.1, NM_001405874.1); c.3098C>G, p.Ala1033Gly (NM_001405875.1, NM_001405876.1, NM_001405877.1 and 1 more transcripts); c.3095C>G, p.Ala1032Gly (NM_001405879.1, NM_001405880.1); and 5 more; short protein forms A1032G, A1096G, A1033G, A1095G, A673G, A674G, A1017G, A1061G.
Identifiers: ClinVar variation 2080399 (VCV002080399.5), dbSNP rs529738082, ClinGen allele CA8618330.

ClinVar aggregate classification (germline): Uncertain significance. Review status: criteria provided, multiple submitters, no conflicts (2 of 4 stars). 2 submissions from 2 submitters: Uncertain significance (2). Last evaluated 2025-11-23.

Conditions:
Inborn genetic diseases. Identifiers: MedGen C0950123, MeSH D030342.
Koolen-de Vries syndrome (KDVS). Identifiers: Orphanet 96169, MedGen C1864871, MONDO:0012496, OMIM 610443.

Allele frequency attached by ClinVar (database versions not stated): gnomAD 0.00001; ExAC 0.00004; 1000 Genomes Project 30x 0.00016; 1000 Genomes Project 0.00020.

Submissions (2):

Ambry Genetics
Classification: Uncertain significance for Inborn genetic diseases. Last evaluated: 2025-11-23. Review status: criteria provided, single submitter. Criteria: Ambry Variant Classification Scheme 2023. Collection method: clinical testing. Allele origin: germline.

Labcorp Genetics (formerly Invitae), Labcorp
Classification: Uncertain significance for Koolen-de Vries syndrome. Last evaluated: 2023-06-28. Review status: criteria provided, single submitter. Criteria: Invitae Variant Classification Sherloc (09022015). Collection method: clinical testing. Allele origin: germline.
Comment: In summary, the available evidence is currently insufficient to determine the role of this variant in disease. Therefore, it has been classified as a Variant of Uncertain Significance. An algorithm developed to predict the effect of missense changes on protein structure and function (PolyPhen-2) suggests that this variant is likely to be tolerated. ClinVar contains an entry for this variant (Variation ID: 2080399). This variant has not been reported in the literature in individuals affected with KANSL1-related conditions. This variant is present in population databases (rs529738082, gnomAD 0.01%). This sequence change replaces alanine, which is neutral and non-polar, with glycine, which is neutral and non-polar, at codon 1096 of the KANSL1 protein (p.Ala1096Gly).